The following is an entry in ClinVar:

ClinVar aggregate classification (germline): Uncertain significance. Review status: criteria provided, multiple submitters, no conflicts (2 of 4 stars). 3 submissions from 3 submitters: Uncertain significance (3). Last evaluated 2025-03-19.

Conditions:
Cardiovascular phenotype. Identifiers: MedGen CN230736.
Cardiomyopathy (CMYO). Also called: Cardiomyopathies. Identifiers: Orphanet 167848, MedGen C0878544, MONDO:0004994, HP:0001638. Inheritance: Various modes of inheritance.
Hypertrophic cardiomyopathy. Also called: HYPERTROPHIC MYOCARDIOPATHY. Identifiers: Orphanet 217569, MedGen C0007194, MeSH D002312, MONDO:0005045, HP:0001639.

Allele frequency attached by ClinVar (database versions not stated): TOPMed below 0.00001.

Submissions (3):

Labcorp Genetics (formerly Invitae), Labcorp
Classification: Uncertain significance for Hypertrophic cardiomyopathy. Last evaluated: 2025-03-19. Review status: criteria provided, single submitter. Criteria: Invitae Variant Classification Sherloc (09022015). Collection method: clinical testing. Allele origin: germline.
Comment: This sequence change replaces lysine, which is basic and polar, with asparagine, which is neutral and polar, at codon 1324 of the MYH7 protein (p.Lys1324Asn). This variant also falls at the last nucleotide of exon 29, which is part of the consensus splice site for this exon. This variant is not present in population databases (gnomAD no frequency). This variant has not been reported in the literature in individuals affected with MYH7-related conditions. ClinVar contains an entry for this variant (Variation ID: 1736627). An algorithm developed to predict the effect of missense changes on protein structure and function (PolyPhen-2) suggests that this variant is likely to be disruptive. Variants that disrupt the consensus splice site are a relatively common cause of aberrant splicing (PMID: 17576681, 9536098). Algorithms developed to predict the effect of sequence changes on RNA splicing suggest that this variant may create or strengthen a splice site. In summary, the available evidence is currently insufficient to determine the role of this variant in disease. Therefore, it has been classified as a Variant of Uncertain Significance.

All of Us Research Program, National Institutes of Health
Classification: Uncertain significance for Cardiomyopathy. Last evaluated: 2024-07-29. Review status: criteria provided, single submitter. Criteria: ACMG Guidelines, 2015. Collection method: clinical testing. Allele origin: germline. Inheritance: Autosomal dominant inheritance. Observed: 1 variant allele, 1 heterozygote.
Comment: This missense variant replaces asparagine at codon 1324 of the MYH7 protein. Computational prediction tools indicate that this variant has a deleterious impact on protein structure and function. This variant causes a G>T nucleotide substitution at the last nucleotide of exon 29 of the MYH7 gene, and splice site prediction tools suggest that this variant may impact RNA splicing. To our knowledge, functional studies have not been reported for this variant. This variant has not been reported in individuals affected with MYH7-related disorders in the literature. This variant has not been identified in the general population by the Genome Aggregation Database (gnomAD). The available evidence is insufficient to determine the role of this variant in disease conclusively. Therefore, this variant is classified as a Variant of Uncertain Significance.

This study involves interpretation of variants in research participants for the purpose of population health screening. Participant phenotype was not available at the time of variant classification. Additional details can be found in publication PMID: 35346344, PMCID: PMC8962531

Ambry Genetics
Classification: Uncertain significance for Cardiovascular phenotype. Last evaluated: 2023-06-29. Review status: criteria provided, single submitter. Criteria: Ambry Variant Classification Scheme 2023. Collection method: clinical testing. Allele origin: germline.
Comment: The p.K1324N variant (also known as c.3972G>T), located in coding exon 27 of the MYH7 gene, results from a G to T substitution at nucleotide position 3972. The lysine at codoon 1324 is replaced by asparagine, an amino acid with similar properties. However, this change occurs in the last base pair of coding exon 27, which makes it likely to have some effect on normal mRNA splicing. This alteration has been reported in exome and biobank cohorts (Homburger JR et al. Proc Natl Acad Sci U S A, 2016 Jun;113:6701-6; Park J et al. Hum Mol Genet, 2022 Mar;31:827-837). These nucleotide and amino acid positions are highly conserved in available vertebrate species. In silico splice site analysis predicts that this alteration will result in the creation or strengthening of a novel splice donor site. In addition, as a missense substitution, this is predicted to be tolerated by in silico analysis. Since supporting evidence is limited at this time, the clinical significance of this alteration remains unclear.

Literature cited by the submitters: PubMed 17576681 (cited by Labcorp Genetics (formerly Invitae), Labcorp); PubMed 9536098 (cited by Labcorp Genetics (formerly Invitae), Labcorp); PubMed 27247418 (cited by Ambry Genetics); PubMed 34542152 (cited by Ambry Genetics).

NM_000257.4(MYH7):c.3972G>T (p.Lys1324Asn)

Gene: MYH7 (myosin heavy chain 7; minus strand). Cytogenetic location: 14q11.2.
Variant type: single nucleotide variant.
Coding change: c.3972G>T on transcript NM_000257.4 (MANE Select); coding-DNA position 3972, G replaced by T.
Protein change: p.Lys1324Asn; replaces lysine 1324 with asparagine.
Molecular consequence: missense variant.
Genome position (GRCh38, 1-based): chr14:23,419,177, C>A on the plus strand (G>T on the coding strand, the complement: MYH7 is on the minus strand). VCF-style: chr14-23419177-C-A. GRCh37 (hg19) VCF-style: chr14-23888386-C-A.
Other names: c.3972G>T, p.Lys1324Asn (NM_001407004.1); short protein forms K1324N.
Identifiers: ClinVar variation 1736627 (VCV001736627.7), dbSNP rs749775509, ClinGen allele CA257814527.